The following is an entry in ClinVar:

NM_000222.3(KIT):c.1726C>G (p.Leu576Val)

Gene: KIT (KIT proto-oncogene, receptor tyrosine kinase; plus strand). Cytogenetic location: 4q12.
Variant type: single nucleotide variant.
Coding change: c.1726C>G on transcript NM_000222.3 (MANE Select); coding-DNA position 1726, C replaced by G.
Protein change: p.Leu576Val; replaces leucine 576 with valine.
Molecular consequence: missense variant.
Genome position (GRCh38, 1-based): chr4:54,727,494, C>G. VCF-style: chr4-54727494-C-G. GRCh37 (hg19) VCF-style: chr4-55593660-C-G.
Other names: c.1714C>G, p.Leu572Val (NM_001093772.2, NM_001385286.1); c.1729C>G, p.Leu577Val (NM_001385284.1, NM_001385290.1); c.1726C>G, p.Leu576Val (NM_001385285.1); c.1717C>G, p.Leu573Val (NM_001385288.1, NM_001385292.1); short protein forms L576V, L572V, L573V, L577V.
Identifiers: ClinVar variation 842915 (VCV000842915.10), dbSNP rs1313877141, ClinGen allele CA356907575.

ClinVar aggregate classification (germline): Uncertain significance (1 of 4 stars; one submission).

Conditions:
Gastrointestinal stromal tumor. Also called: Gastrointestinal stromal tumor, somatic; Gastrointestinal stroma tumor. Identifiers: Orphanet 44890, MedGen C0238198, MeSH D046152, MONDO:0011719, OMIM 606764, HP:0100723.

Submission:

Labcorp Genetics (formerly Invitae), Labcorp
Classification: Uncertain significance for Gastrointestinal stromal tumor. Last evaluated: 2024-03-27. Review status: criteria provided, single submitter. Criteria: Invitae Variant Classification Sherloc (09022015). Collection method: clinical testing. Allele origin: germline.
Comment: This sequence change replaces leucine, which is neutral and non-polar, with valine, which is neutral and non-polar, at codon 576 of the KIT protein (p.Leu576Val). This variant is not present in population databases (gnomAD no frequency). This variant has not been reported in the literature in individuals affected with KIT-related conditions. ClinVar contains an entry for this variant (Variation ID: 842915). An algorithm developed to predict the effect of missense changes on protein structure and function (PolyPhen-2) suggests that this variant is likely to be disruptive. This variant disrupts the p.Leu576 amino acid residue in KIT. Other variant(s) that disrupt this residue have been determined to be pathogenic (PMID: 23598963, 27771813, 27981619). This suggests that this residue is clinically significant, and that variants that disrupt this residue are likely to be disease-causing. In summary, the available evidence is currently insufficient to determine the role of this variant in disease. Therefore, it has been classified as a Variant of Uncertain Significance.

Literature cited by the submitters: PubMed 23598963; PubMed 27771813; PubMed 27981619.